The following is an entry in ClinVar:

ClinVar aggregate classification (germline): Uncertain significance. Review status: criteria provided, multiple submitters, no conflicts (2 of 4 stars). 2 submissions from 2 submitters: Uncertain significance (2). Last evaluated 2024-12-23.

Conditions:
Inborn genetic diseases. Identifiers: MedGen C0950123, MeSH D030342.

gnomAD v4.1: 20 of 1,612,106 alleles (0.0012%); highest among the groups gnomAD compares: Admixed American, 0.01%; no homozygotes.

Submissions (2):

Ambry Genetics
Classification: Uncertain significance for Inborn genetic diseases. Last evaluated: 2024-12-23. Review status: criteria provided, single submitter. Criteria: Ambry Variant Classification Scheme 2023. Collection method: clinical testing. Allele origin: germline.

Labcorp Genetics (formerly Invitae), Labcorp
Classification: Uncertain significance. Last evaluated: 2024-02-23. Review status: criteria provided, single submitter. Criteria: Invitae Variant Classification Sherloc (09022015). Collection method: clinical testing. Allele origin: germline.
Comment: This sequence change replaces histidine, which is basic and polar, with arginine, which is basic and polar, at codon 138 of the DARS protein (p.His138Arg). This variant is present in population databases (rs764026468, gnomAD 0.02%). This variant has not been reported in the literature in individuals affected with DARS-related conditions. Advanced modeling of protein sequence and biophysical properties (such as structural, functional, and spatial information, amino acid conservation, physicochemical variation, residue mobility, and thermodynamic stability) performed at Invitae indicates that this missense variant is not expected to disrupt DARS protein function with a negative predictive value of 80%. In summary, the available evidence is currently insufficient to determine the role of this variant in disease. Therefore, it has been classified as a Variant of Uncertain Significance.

NM_001349.4(DARS1):c.413A>G (p.His138Arg)

Gene: DARS1 (aspartyl-tRNA synthetase 1; minus strand). Cytogenetic location: 2q21.3.
Variant type: single nucleotide variant.
Coding change: c.413A>G on transcript NM_001349.4 (MANE Select); coding-DNA position 413, A replaced by G.
Protein change: p.His138Arg; replaces histidine 138 with arginine.
Molecular consequence: missense variant.
Genome position (GRCh38, 1-based): chr2:135,943,388, T>C on the plus strand (A>G on the coding strand, the complement: DARS1 is on the minus strand). VCF-style: chr2-135943388-T-C. GRCh37 (hg19) VCF-style: chr2-136700958-T-C.
Other names: c.113A>G, p.His38Arg (NM_001293312.1); c.413A>G (NM_001349.2); short protein forms H138R, H38R.
Identifiers: ClinVar variation 3626320 (VCV003626320.2).
Genomic context (GRCh38, chr2:135,943,388, plus strand): 5'-AGAACCCAAATCTATTTCTATATGCGATTTTATATTTTGAAAAAACTTACCTTCTGAACA[T>C]GTAACTCAACGTCTTGCTGTGTACAGCTTCCAATTTTCTGATTCACTTTTCTCACAACAC-3'
Protein context (NP_001340.2, residues 128-148): GSCTQQDVEL[His138Arg]VQKIYVISLA